The following is an entry in ClinVar:

ClinVar aggregate classification (germline): Uncertain significance. Review status: criteria provided, multiple submitters, no conflicts (2 of 4 stars). 4 submissions from 4 submitters: Uncertain significance (4). Last evaluated 2026-04-14.

Conditions:
Cardiovascular phenotype. Identifiers: MedGen CN230736.
Dilated cardiomyopathy 1JJ (CMD1JJ). Identifiers: Orphanet 154, MedGen C3808935, MONDO:0014095, OMIM 615235.

Allele frequency attached by ClinVar (database versions not stated): gnomAD exomes 0.00001 and below 0.00001; gnomAD 0.00001; TOPMed below 0.00001.
gnomAD v4.1: 16 of 1,613,674 alleles (0.00099%); highest among the groups gnomAD compares: South Asian, 0.0022%; no homozygotes.

Submissions (4):

Ambry Genetics
Classification: Uncertain significance for Cardiovascular phenotype. Last evaluated: 2026-04-14. Review status: criteria provided, single submitter. Criteria: Ambry Variant Classification Scheme 2023. Collection method: clinical testing. Allele origin: germline.
Comment: The p.S76L variant (also known as c.227C>T), located in coding exon 2 of the LAMA4 gene, results from a C to T substitution at nucleotide position 227. The serine at codon 76 is replaced by leucine, an amino acid with dissimilar properties. This amino acid position is highly conserved in available vertebrate species. In addition, the in silico prediction for this alteration is inconclusive. The evidence for this gene-disease relationship is limited; therefore, the clinical significance of this variant is unclear.

Labcorp Genetics (formerly Invitae), Labcorp
Classification: Uncertain significance for Dilated cardiomyopathy 1JJ. Last evaluated: 2025-06-19. Review status: criteria provided, single submitter. Criteria: Invitae Variant Classification Sherloc (09022015). Collection method: clinical testing. Allele origin: germline.
Comment: This sequence change replaces serine, which is neutral and polar, with leucine, which is neutral and non-polar, at codon 76 of the LAMA4 protein (p.Ser76Leu). This variant is present in population databases (no rsID available, gnomAD 0.0009%). This variant has not been reported in the literature in individuals affected with LAMA4-related conditions. ClinVar contains an entry for this variant (Variation ID: 1313110). An algorithm developed to predict the effect of missense changes on protein structure and function (PolyPhen-2) suggests that this variant is likely to be tolerated. In summary, the available evidence is currently insufficient to determine the role of this variant in disease. Therefore, it has been classified as a Variant of Uncertain Significance.

GeneDx
Classification: Uncertain significance. Last evaluated: 2020-07-17. Review status: criteria provided, single submitter. Criteria: GeneDx Variant Classification Process June 2021. Collection method: clinical testing. Allele origin: germline. Affected: yes.
Comment: Has not been previously published as pathogenic or benign to our knowledge; In silico analysis supports that this missense variant has a deleterious effect on protein structure/function

Breakthrough Genomics
Classification: Uncertain significance. Review status: criteria provided, single submitter. Criteria: ACMG Guidelines, 2015. Collection method: not provided. Allele origin: germline. Inheritance: Autosomal dominant inheritance. Affected: yes.

NM_001105206.3(LAMA4):c.227C>T (p.Ser76Leu)

Gene: LAMA4 (laminin subunit alpha 4; minus strand). Cytogenetic location: 6q21.
Variant type: single nucleotide variant.
Coding change: c.227C>T on transcript NM_001105206.3 (MANE Select); coding-DNA position 227, C replaced by T.
Protein change: p.Ser76Leu; replaces serine 76 with leucine.
Molecular consequence: missense variant.
Genome position (GRCh38, 1-based): chr6:112,216,438, G>A on the plus strand (C>T on the coding strand, the complement: LAMA4 is on the minus strand). VCF-style: chr6-112216438-G-A. GRCh37 (hg19) VCF-style: chr6-112537639-G-A.
Other names: c.227C>T, p.Ser76Leu (NM_001105207.3, NM_002290.5); short protein forms S76L.
Identifiers: ClinVar variation 1313110 (VCV001313110.9), dbSNP rs1554358711, ClinGen allele CA365518181.